The following is an entry in ClinVar:

NM_001165963.4(SCN1A):c.2498dup (p.Asn833fs)

Gene: SCN1A (sodium voltage-gated channel alpha subunit 1; minus strand). Cytogenetic location: 2q24.3.
Variant type: Duplication.
Coding change: c.2498dup on transcript NM_001165963.4 (MANE Select); coding-DNA position 2498, one base duplicated (A; older notation c.2498dupA).
Protein change: p.Asn833fs; shifts the reading frame from asparagine 833.
Molecular consequence: frameshift variant. On other transcripts: non-coding transcript variant (1).
Genome position (GRCh38, 1-based): chr2:166,039,514, T duplicated on the plus strand (A on the coding strand, the reverse complement: SCN1A is on the minus strand); the first of 2 consecutive T bases (chr2:166,039,514-166,039,515); duplicating either gives the same sequence. VCF-style (leftmost placement, unchanged base first): chr2-166039513-A-AT. GRCh37 (hg19) VCF-style: chr2-166896023-A-AT.
Other names: c.2414dup, p.Asn805fs (NM_001165964.3, NM_001353957.2, NM_001353958.2); c.2498dup, p.Asn833fs (NM_001202435.3, NM_001353948.2); c.2465dup, p.Asn822fs (NM_001353949.2, NM_001353950.2, NM_001353951.2 and 2 more transcripts); c.2462dup, p.Asn821fs (NM_001353954.2, NM_001353955.2); c.2411dup, p.Asn804fs (NM_001353960.2); c.56dup, p.Asn19fs (NM_001353961.2); c.2498dupA (NM_001165963.1); short protein forms N19fs, N822fs, N805fs, N833fs, N804fs, N821fs.
Identifiers: ClinVar variation 280794 (VCV000280794.3), dbSNP rs886041937, ClinGen allele CA10602825.

ClinVar aggregate classification (germline): Pathogenic (1 of 4 stars; one submission).

Submission:

GeneDx
Classification: Pathogenic. Last evaluated: 2019-10-18. Review status: criteria provided, single submitter. Criteria: GeneDx Variant Classification Process June 2021. Collection method: clinical testing. Allele origin: germline. Affected: yes.
Comment: Frameshift variant predicted to result in protein truncation or nonsense mediated decay in a gene for which loss-of-function is a known mechanism of disease; Not observed in large population cohorts (Lek et al., 2016); Has not been previously published as pathogenic or benign to our knowledge